The following is an entry in ClinVar:

ClinVar aggregate classification (germline): Uncertain significance. Review status: criteria provided, multiple submitters, no conflicts (2 of 4 stars). 2 submissions from 2 submitters: Uncertain significance (2). Last evaluated 2022-04-19.

Conditions:
Hereditary cancer-predisposing syndrome. Also called: Neoplastic Syndromes, Hereditary; Tumor predisposition; Hereditary Cancer Syndrome; Hereditary neoplastic syndrome. Identifiers: Orphanet 140162, MedGen C0027672, MeSH D009386, MONDO:0015356.
Rhabdoid tumor predisposition syndrome 2 (RTPS2). Identifiers: Orphanet 231108, Orphanet 69077, MedGen C2750074, MONDO:0013224, OMIM 613325.

Submissions (2):

Ambry Genetics
Classification: Uncertain significance for Hereditary cancer-predisposing syndrome. Last evaluated: 2022-04-19. Review status: criteria provided, single submitter. Criteria: Ambry Variant Classification Scheme 2023. Collection method: clinical testing. Allele origin: germline.
Comment: The p.H1241N variant (also known as c.3721C>A), located in coding exon 25 of the SMARCA4 gene, results from a C to A substitution at nucleotide position 3721. The histidine at codon 1241 is replaced by asparagine, an amino acid with similar properties. This amino acid position is well conserved in available vertebrate species. In addition, the in silico prediction for this alteration is inconclusive. Missense and in-frame variants in SMARCA4 are known to cause neurodevelopmental disorders; however, such associations with rhabdoid tumor predisposition syndrome including small cell carcinoma of the ovary-hypercalcemic type (SCCOHT) are exceedingly rare (Kosho T et al. Am J Med Genet C Semin Med Genet. 2014 Sep;166C(3):262-75; Jelinic P et al. Nat Genet. 2014 May;46(5):424-6). Based on the supporting evidence, the association of this alteration with Coffin-Siris syndrome is unknown; however, the association of this alteration with rhabdoid tumor predisposition syndrome is unlikely.

Labcorp Genetics (formerly Invitae), Labcorp
Classification: Uncertain significance for Rhabdoid tumor predisposition syndrome 2. Last evaluated: 2022-01-25. Review status: criteria provided, single submitter. Criteria: Invitae Variant Classification Sherloc (09022015). Collection method: clinical testing. Allele origin: germline.
Comment: In summary, the available evidence is currently insufficient to determine the role of this variant in disease. Therefore, it has been classified as a Variant of Uncertain Significance. Algorithms developed to predict the effect of missense changes on protein structure and function are either unavailable or do not agree on the potential impact of this missense change (SIFT: "Deleterious"; PolyPhen-2: "Benign"; Align-GVGD: "Class C0"). This variant has not been reported in the literature in individuals affected with SMARCA4-related conditions. This variant is not present in population databases (gnomAD no frequency). This sequence change replaces histidine, which is basic and polar, with asparagine, which is neutral and polar, at codon 1241 of the SMARCA4 protein (p.His1241Asn).

NM_003072.5(SMARCA4):c.3721C>A (p.His1241Asn)

Gene: SMARCA4 (SWI/SNF related BAF chromatin remodeling complex subunit ATPase 4; plus strand). Cytogenetic location: 19p13.2.
Variant type: single nucleotide variant.
Coding change: c.3721C>A on transcript NM_003072.5 (MANE Select); coding-DNA position 3721, C replaced by A.
Protein change: p.His1241Asn; replaces histidine 1241 with asparagine.
Molecular consequence: missense variant. On other transcripts: non-coding transcript variant (1).
Genome position (GRCh38, 1-based): chr19:11,033,464, C>A. VCF-style: chr19-11033464-C-A. GRCh37 (hg19) VCF-style: chr19-11144140-C-A.
Other names: c.3721C>A, p.His1241Asn (NM_001128844.3, NM_001128845.2, NM_001128846.2 and 6 more transcripts); short protein forms H1241N.
Identifiers: ClinVar variation 1734300 (VCV001734300.7), dbSNP rs2146653811, ClinGen allele CA404065967.
Genomic context (GRCh38, chr19:11,033,464, plus strand): 5'-AAGCTCAACGTGGACCAGAAGGTGATCCAGGCCGGCATGTTCGACCAGAAGTCCTCCAGC[C>A]ATGAGCGGCGCGCCTTCCTGCAGGCCATCCTGGAGCACGAGGAGCAGGATGAGGTGAGCC-3'
Protein context (NP_003063.2, residues 1231-1251): AGMFDQKSSS[His1241Asn]ERRAFLQAIL